The following is an entry in ClinVar:

NM_000052.7(ATP7A):c.1753A>G (p.Ser585Gly)

Gene: ATP7A (ATPase copper transporting alpha; plus strand). Cytogenetic location: Xq21.1.
Variant type: single nucleotide variant.
Coding change: c.1753A>G on transcript NM_000052.7 (MANE Select); coding-DNA position 1753, A replaced by G.
Protein change: p.Ser585Gly; replaces serine 585 with glycine.
Molecular consequence: missense variant.
Genome position (GRCh38, 1-based): chrX:78,009,147, A>G. VCF-style: chrX-78009147-A-G. GRCh37 (hg19) VCF-style: chrX-77264644-A-G.
Other names: c.1753A>G, p.Ser585Gly (NM_001282224.2); short protein forms S585G.
Identifiers: ClinVar variation 840455 (VCV000840455.17), dbSNP rs2077799245, ClinGen allele CA413596979.

ClinVar aggregate classification (germline): Uncertain significance. Review status: criteria provided, multiple submitters, no conflicts (2 of 4 stars). 2 submissions from 2 submitters: Uncertain significance (2). Last evaluated 2025-09-01.

Conditions:
Cutis laxa, X-linked (OHS). Also called: EDS IX; Occipital horn syndrome. Identifiers: Orphanet 198, MedGen C0268353, MONDO:0010572, OMIM 304150.
Menkes kinky-hair syndrome (MNK). Also called: Classic Menkes Disease; Copper transport disease; Menkes Disease. Identifiers: Orphanet 565, MedGen C0022716, MONDO:0010651, OMIM 309400.
X-linked distal spinal muscular atrophy type 3. Also called: SPINAL MUSCULAR ATROPHY, DISTAL, X-LINKED RECESSIVE; ATP7A-Related Distal Motor Neuropathy; NEURONOPATHY, DISTAL HEREDITARY MOTOR, X-LINKED; NEUROPATHY, DISTAL HEREDITARY MOTOR, X-LINKED. Identifiers: Orphanet 139557, MedGen C1845359, MONDO:0010338, OMIM 300489.

Submissions (2):

CeGaT Center for Human Genetics Tuebingen
Classification: Uncertain significance. Last evaluated: 2025-09-01. Review status: criteria provided, single submitter. Criteria: CeGaT Center For Human Genetics Tuebingen Variant Classification Criteria Version 2. Collection method: clinical testing. Allele origin: germline. Affected: yes. Observed: 1 variant allele.
Comment: ATP7A: PM2, BP4

Labcorp Genetics (formerly Invitae), Labcorp
Classification: Uncertain significance for X-linked distal spinal muscular atrophy type 3; Cutis laxa, X-linked; Menkes kinky-hair syndrome. Last evaluated: 2019-12-11. Review status: criteria provided, single submitter. Criteria: Invitae Variant Classification Sherloc (09022015). Collection method: clinical testing. Allele origin: germline.
Comment: This sequence change replaces serine with glycine at codon 585 of the ATP7A protein (p.Ser585Gly). The serine residue is weakly conserved and there is a small physicochemical difference between serine and glycine. This variant is not present in population databases (ExAC no frequency). This variant has not been reported in the literature in individuals with ATP7A-related conditions. Algorithms developed to predict the effect of missense changes on protein structure and function are either unavailable or do not agree on the potential impact of this missense change (SIFT: "Deleterious"; PolyPhen-2: "Benign"; Align-GVGD: "Class C0"). In summary, the available evidence is currently insufficient to determine the role of this variant in disease. Therefore, it has been classified as a Variant of Uncertain Significance.